The following is an entry in ClinVar:

ClinVar aggregate classification (germline): Uncertain significance (1 of 4 stars; one submission).

Conditions:
Catecholaminergic polymorphic ventricular tachycardia (CVPT). Also called: Catecholamine-induced polymorphic ventricular tachycardia. Identifiers: Orphanet 3286, MedGen C5574922, MONDO:0017990.

Submission:

All of Us Research Program, National Institutes of Health
Classification: Uncertain significance for Catecholaminergic polymorphic ventricular tachycardia. Last evaluated: 2023-06-26. Review status: criteria provided, single submitter. Criteria: ACMG Guidelines, 2015. Collection method: clinical testing. Allele origin: germline. Inheritance: Autosomal dominant inheritance. Observed: 1 variant allele, 1 heterozygote.
Comment: This missense variant replaces proline with threonine at codon 3240 of the RYR2 protein. Computational prediction suggests that this variant may have deleterious impact on protein structure and function (internally defined REVEL score threshold >= 0.7, PMID: 27666373). To our knowledge, functional studies have not been reported for this variant. This variant has not been reported in individuals affected with RYR2-related disorders in the literature. This variant has not been identified in the general population by the Genome Aggregation Database (gnomAD). The available evidence is insufficient to determine the role of this variant in disease conclusively. Therefore, this variant is classified as a Variant of Uncertain Significance.

This study involves interpretation of variants in research participants for the purpose of population health screening. Participant phenotype was not available at the time of variant classification. Additional details can be found in publication PMID: 35346344, PMCID: PMC8962531

NM_001035.3(RYR2):c.9718C>A (p.Pro3240Thr)

Gene: RYR2 (ryanodine receptor 2; plus strand). Cytogenetic location: 1q43.
Variant type: single nucleotide variant.
Coding change: c.9718C>A on transcript NM_001035.3 (MANE Select); coding-DNA position 9718, C replaced by A.
Protein change: p.Pro3240Thr; replaces proline 3240 with threonine.
Molecular consequence: missense variant.
Genome position (GRCh38, 1-based): chr1:237,707,086, C>A. VCF-style: chr1-237707086-C-A. GRCh37 (hg19) VCF-style: chr1-237870386-C-A.
Other names: short protein forms P3240T.
Identifiers: ClinVar variation 3071919 (VCV003071919.1), dbSNP rs2547402232, ClinGen allele CA345408633.